The following is an entry in ClinVar:

ClinVar aggregate classification (germline): Uncertain significance (1 of 4 stars; one submission).

Conditions:
Fanconi anemia (FA). Also called: Fanconi's anemia. Identifiers: Orphanet 84, MedGen C0015625, MeSH D005199, MONDO:0019391.

Allele frequency attached by ClinVar (database versions not stated): gnomAD exomes below 0.00001.
gnomAD v4.1: 3 of 1,613,904 alleles (0.00019%); highest among the groups gnomAD compares: South Asian, 0.0022%; no homozygotes.

Submission:

Labcorp Genetics (formerly Invitae), Labcorp
Classification: Uncertain significance for Fanconi anemia. Last evaluated: 2021-11-01. Review status: criteria provided, single submitter. Criteria: Invitae Variant Classification Sherloc (09022015). Collection method: clinical testing. Allele origin: germline.
Comment: This sequence change replaces leucine, which is neutral and non-polar, with valine, which is neutral and non-polar, at codon 816 of the FANCD2 protein (p.Leu816Val). This variant is not present in population databases (gnomAD no frequency). This variant has not been reported in the literature in individuals affected with FANCD2-related conditions. Algorithms developed to predict the effect of missense changes on protein structure and function are either unavailable or do not agree on the potential impact of this missense change (SIFT: "Deleterious"; PolyPhen-2: "Benign"; Align-GVGD: "Class C15"). Algorithms developed to predict the effect of sequence changes on RNA splicing suggest that this variant may create or strengthen a splice site. In summary, the available evidence is currently insufficient to determine the role of this variant in disease. Therefore, it has been classified as a Variant of Uncertain Significance.

NM_001018115.3(FANCD2):c.2446T>G (p.Leu816Val)

Genes: FANCD2 (FA complementation group D2; plus strand), LOC107303338 (3p25 FANCD2 Alu-mediated recombination region; plus strand). Cytogenetic location: 3p25.3.
Variant type: single nucleotide variant.
Coding change: c.2446T>G on transcript NM_001018115.3 (MANE Select); coding-DNA position 2446, T replaced by G.
Protein change: p.Leu816Val; replaces leucine 816 with valine.
Molecular consequence: missense variant.
Genome position (GRCh38, 1-based): chr3:10,067,269, T>G. VCF-style: chr3-10067269-T-G. GRCh37 (hg19) VCF-style: chr3-10108953-T-G.
Other names: c.2446T>G, p.Leu816Val (NM_001319984.2, NM_001374254.1, NM_033084.6); c.2335T>G, p.Leu779Val (NM_001374253.1); short protein forms L816V, L779V.
Identifiers: ClinVar variation 1499956 (VCV001499956.3), dbSNP rs2125039040, ClinGen allele CA351738169.